The following is an entry in ClinVar:

NM_006432.5(NPC2):c.207C>T (p.Ser69=)

Gene: NPC2 (NPC intracellular cholesterol transporter 2; minus strand). Cytogenetic location: 14q24.3.
Variant type: single nucleotide variant.
Coding change: c.207C>T on transcript NM_006432.5 (MANE Select); coding-DNA position 207, C replaced by T.
Protein change: p.Ser69=; no amino-acid change (serine 69 retained).
Molecular consequence: synonymous variant.
Genome position (GRCh38, 1-based): chr14:74,484,571, G>A on the plus strand (C>T on the coding strand, the complement: NPC2 is on the minus strand). VCF-style: chr14-74484571-G-A. GRCh37 (hg19) VCF-style: chr14-74951274-G-A.
Other names: c.207C>T (NM_006432.3); c.207C>T, p.Ser69= (NM_001363688.1, NM_001375440.1).
Identifiers: ClinVar variation 1161284 (VCV001161284.10), dbSNP rs970173671, ClinGen allele CA263660973.

ClinVar aggregate classification (germline): Likely benign. Review status: criteria provided, single submitter (1 of 4 stars). 2 submissions from 2 submitters: Likely benign (1). 1 of the submissions does not count toward it. Last evaluated 2025-12-27.

Conditions:
NPC2-related disorder. Also called: NPC2-related condition.
Niemann-Pick disease, type C2 (NPC2). Identifiers: Orphanet 646, MedGen C1843366, MONDO:0011873, OMIM 607625.

Allele frequency attached by ClinVar (database versions not stated): TOPMed 0.00001; gnomAD 0.00002.

Submissions (2):

Labcorp Genetics (formerly Invitae), Labcorp
Classification: Likely benign for Niemann-Pick disease, type C2. Last evaluated: 2025-12-27. Review status: criteria provided, single submitter. Criteria: Invitae Variant Classification Sherloc (09022015). Collection method: clinical testing. Allele origin: germline.

PreventionGenetics, part of Exact Sciences
Classification: Likely benign for NPC2-related condition. Last evaluated: 2024-04-01. Review status: no assertion criteria provided. Collection method: clinical testing. Allele origin: germline. Not counted in ClinVar's aggregate classification.
Comment: This variant is classified as likely benign based on ACMG/AMP sequence variant interpretation guidelines (Richards et al. 2015 PMID: 25741868, with internal and published modifications).